The following is an entry in ClinVar:

NM_020461.4(TUBGCP6):c.2221_2222del (p.Arg741fs)

Gene: TUBGCP6 (tubulin gamma complex component 6; minus strand). Cytogenetic location: 22q13.33.
Variant type: Deletion.
Coding change: c.2221_2222del on transcript NM_020461.4 (MANE Select); coding-DNA positions 2221 to 2222, 2 bases deleted (AG; older notation c.2221_2222delAG).
Protein change: p.Arg741fs; shifts the reading frame from arginine 741.
Molecular consequence: frameshift variant.
Genome position (GRCh38, 1-based): chr22:50,224,189-50,224,190, CT deleted on the plus strand (AG on the coding strand, the reverse complement: TUBGCP6 is on the minus strand). VCF-style (leftmost placement, unchanged base first): chr22-50224188-CCT-C. GRCh37 (hg19) VCF-style: chr22-50662617-CCT-C.
Other names: short protein forms R741fs.
Identifiers: ClinVar variation 1215472 (VCV001215472.9), dbSNP rs951221380, ClinGen allele CA325463778.

ClinVar aggregate classification (germline): Pathogenic/Likely pathogenic. Review status: criteria provided, multiple submitters, no conflicts (2 of 4 stars). 3 submissions from 3 submitters: Pathogenic (1); Likely pathogenic (2). Last evaluated 2023-11-09.

Conditions:
Microcephaly and chorioretinopathy 1. Also called: Microcephaly and chorioretinopathy, autosomal recessive, 1. Identifiers: MedGen C3278481, MONDO:0009624, OMIM 251270.

Allele frequency attached by ClinVar (database versions not stated): gnomAD exomes below 0.00001; gnomAD 0.00001; TOPMed 0.00002.

Submissions (3):

Revvity Omics, Revvity
Classification: Likely pathogenic for Microcephaly and chorioretinopathy 1. Last evaluated: 2023-11-09. Review status: criteria provided, single submitter. Criteria: ACMG Guidelines, 2015. Collection method: clinical testing. Allele origin: germline.

Labcorp Genetics (formerly Invitae), Labcorp
Classification: Pathogenic. Last evaluated: 2022-03-04. Review status: criteria provided, single submitter. Criteria: Invitae Variant Classification Sherloc (09022015). Collection method: clinical testing. Allele origin: germline.
Comment: For these reasons, this variant has been classified as Pathogenic. ClinVar contains an entry for this variant (Variation ID: 1215472). This variant has not been reported in the literature in individuals affected with TUBGCP6-related conditions. This variant is not present in population databases (gnomAD no frequency). This sequence change creates a premature translational stop signal (p.Arg741Glyfs*58) in the TUBGCP6 gene. It is expected to result in an absent or disrupted protein product. Loss-of-function variants in TUBGCP6 are known to be pathogenic (PMID: 25344692).

GeneDx
Classification: Likely pathogenic. Last evaluated: 2020-09-30. Review status: criteria provided, single submitter. Criteria: GeneDx Variant Classification Process June 2021. Collection method: clinical testing. Allele origin: germline. Affected: yes.
Comment: Frameshift variant predicted to result in protein truncation or nonsense mediated decay in a gene for which loss-of-function is a known mechanism of disease; Not observed in large population cohorts (Lek et al., 2016); Has not been previously published as pathogenic or benign to our knowledge

Literature cited by the submitters: PubMed 25344692 (cited by Labcorp Genetics (formerly Invitae), Labcorp).